The following is an entry in ClinVar:

NM_001458.5(FLNC):c.7393A>G (p.Thr2465Ala)

Genes: FLNC-AS1 (FLNC antisense RNA 1; minus strand), FLNC (filamin C; plus strand). Cytogenetic location: 7q32.1.
Variant type: single nucleotide variant.
Coding change: c.7393A>G on transcript NM_001458.5 (MANE Select); coding-DNA position 7393, A replaced by G.
Protein change: p.Thr2465Ala; replaces threonine 2465 with alanine.
Molecular consequence: missense variant.
Genome position (GRCh38, 1-based): chr7:128,856,753, A>G. VCF-style: chr7-128856753-A-G. GRCh37 (hg19) VCF-style: chr7-128496807-A-G.
Other names: c.7294A>G, p.Thr2432Ala (NM_001127487.2); short protein forms T2465A, T2432A.
Identifiers: ClinVar variation 2146636 (VCV002146636.4), dbSNP rs1446173400, ClinGen allele CA369217205.

ClinVar aggregate classification (germline): Uncertain significance (1 of 4 stars; one submission).

Conditions:
Myofibrillar myopathy 5. Also called: FILAMINOPATHY, AUTOSOMAL DOMINANT; Filaminopathy (type). Identifiers: Orphanet 171445, MedGen C1836050, MONDO:0012289, OMIM 609524.
Distal myopathy with posterior leg and anterior hand involvement. Also called: WILLIAMS DISTAL MYOPATHY. Identifiers: Orphanet 63273, MedGen C3279722, MONDO:0013550, OMIM 614065.
Hypertrophic cardiomyopathy 26. Also called: Cardiomyopathy, familial hypertrophic, 26. Identifiers: Orphanet 75249, MedGen C4310749, MONDO:0014883, OMIM 617047.

Allele frequency attached by ClinVar (database versions not stated): gnomAD 0.00001.
gnomAD v4.1: 1 of 1,614,006 alleles (0.000062%); highest among the groups gnomAD compares: South Asian, 0.0011%; no homozygotes.

Submission:

Labcorp Genetics (formerly Invitae), Labcorp
Classification: Uncertain significance for Distal myopathy with posterior leg and anterior hand involvement; Myofibrillar myopathy 5; Hypertrophic cardiomyopathy 26. Last evaluated: 2022-07-25. Review status: criteria provided, single submitter. Criteria: Invitae Variant Classification Sherloc (09022015). Collection method: clinical testing. Allele origin: germline.
Comment: In summary, the available evidence is currently insufficient to determine the role of this variant in disease. Therefore, it has been classified as a Variant of Uncertain Significance. Algorithms developed to predict the effect of missense changes on protein structure and function (SIFT, PolyPhen-2, Align-GVGD) all suggest that this variant is likely to be tolerated. This variant has not been reported in the literature in individuals affected with FLNC-related conditions. This variant is not present in population databases (gnomAD no frequency). This sequence change replaces threonine, which is neutral and polar, with alanine, which is neutral and non-polar, at codon 2465 of the FLNC protein (p.Thr2465Ala).